The following is an entry in ClinVar:

NC_000007.14:g.(?_18290464)_(18935942_?)del

Gene: HDAC9 (histone deacetylase 9; plus strand). Cytogenetic location: 7p21.1.
Variant type: Deletion.
Identifiers: ClinVar variation 832026 (VCV000832026.6).

ClinVar aggregate classification (germline): Uncertain significance (1 of 4 stars; one submission).

Submission:

Labcorp Genetics (formerly Invitae), Labcorp
Classification: Uncertain significance. Last evaluated: 2019-03-15. Review status: criteria provided, single submitter. Criteria: Invitae Variant Classification Sherloc (09022015). Collection method: clinical testing. Allele origin: germline.
Comment: In summary, the available evidence is currently insufficient to determine the role of this variant in disease. Therefore, it has been classified as a Variant of Uncertain Significance. The current clinical and genetic evidence is not sufficient to establish whether loss-of-function variants in HDAC9 cause disease. Similar deletions have not been reported in the literature in individuals with HDAC9-related conditions. This variant is a gross deletion of the genomic region encompassing exons 1-22 of the HDAC9 gene, which includes the initiator codon. The 5' end of this event is unknown as it extends beyond the assayed region for this gene and therefore may encompass additional genes. The 3' boundary is likely confined to intron 22 of the HDAC9 gene. This is expected to result in an absent or disrupted protein product.